The following is an entry in ClinVar:

ClinVar aggregate classification (germline): Uncertain significance (1 of 4 stars; one submission).

Allele frequency attached by ClinVar (database versions not stated): gnomAD 0.00001; TOPMed 0.00001.
gnomAD v4.1: 8 of 1,613,912 alleles (0.0005%); highest among the groups gnomAD compares: Non-Finnish European, 0.00068%; no homozygotes.

Submission:

Labcorp Genetics (formerly Invitae), Labcorp
Classification: Uncertain significance. Last evaluated: 2022-12-24. Review status: criteria provided, single submitter. Criteria: Invitae Variant Classification Sherloc (09022015). Collection method: clinical testing. Allele origin: germline.
Comment: In summary, the available evidence is currently insufficient to determine the role of this variant in disease. Therefore, it has been classified as a Variant of Uncertain Significance. Algorithms developed to predict the effect of missense changes on protein structure and function (SIFT, PolyPhen-2, Align-GVGD) all suggest that this variant is likely to be tolerated. This variant has not been reported in the literature in individuals affected with HMCN1-related conditions. This variant is present in population databases (rs199954261, gnomAD 0.002%). This sequence change replaces threonine, which is neutral and polar, with asparagine, which is neutral and polar, at codon 4857 of the HMCN1 protein (p.Thr4857Asn).

NM_031935.3(HMCN1):c.14570C>A (p.Thr4857Asn)

Gene: HMCN1 (hemicentin 1; plus strand). Cytogenetic location: 1q31.1.
Variant type: single nucleotide variant.
Coding change: c.14570C>A on transcript NM_031935.3 (MANE Select); coding-DNA position 14570, C replaced by A.
Protein change: p.Thr4857Asn; replaces threonine 4857 with asparagine.
Molecular consequence: missense variant.
Genome position (GRCh38, 1-based): chr1:186,145,885, C>A. VCF-style: chr1-186145885-C-A. GRCh37 (hg19) VCF-style: chr1-186115017-C-A.
Other names: short protein forms T4857N.
Identifiers: ClinVar variation 2965749 (VCV002965749.3), dbSNP rs199954261, ClinGen allele CA33477418.